The following is an entry in ClinVar:

ClinVar aggregate classification (germline): Uncertain significance. Review status: criteria provided, multiple submitters, no conflicts (2 of 4 stars). 6 submissions from 6 submitters: Uncertain significance (6). Last evaluated 2024-05-20.

Conditions:
Meckel syndrome, type 6. Identifiers: Orphanet 564, MedGen C2676790, MONDO:0012848, OMIM 612284.
Joubert syndrome 9 (JBTS9). Identifiers: Orphanet 2318, MedGen C2676788, MONDO:0012849, OMIM 612285.
COACH syndrome 2. Identifiers: MedGen C5436837, MONDO:0030859, OMIM 619111.
Retinitis pigmentosa 93. Identifiers: MedGen C5676970, MONDO:0030797, OMIM 619845.
Meckel-Gruber syndrome. Also called: Dysencephalia splachnocystica; DYSENCEPHALIA SPLANCHNOCYSTICA; GRUBER SYNDROME. Identifiers: Orphanet 564, MedGen C0265215, MONDO:0018921.
Joubert syndrome. Also called: Familial aplasia of the vermis; JOUBERT-BOLTSHAUSER SYNDROME. Identifiers: Orphanet 475, MedGen C5979921, MONDO:0018772.
Inborn genetic diseases. Identifiers: MedGen C0950123, MeSH D030342.

Allele frequency attached by ClinVar (database versions not stated): gnomAD exomes 0.00001 and 0.00002; ExAC 0.00004; ESP Exome Variant Server 0.00008; TOPMed 0.00008; gnomAD 0.00012 and 0.00014.
gnomAD v4.1: 35 of 1,611,962 alleles (0.0022%); highest among the groups gnomAD compares: African/African-American, 0.043%; no homozygotes.

Submissions (6):

Fulgent Genetics
Classification: Uncertain significance for Meckel syndrome, type 6; Joubert syndrome 9; COACH syndrome 2; Retinitis pigmentosa 93. Last evaluated: 2024-05-20. Review status: criteria provided, single submitter. Criteria: ACMG Guidelines, 2015. Collection method: clinical testing. Allele origin: germline.

Ambry Genetics
Classification: Uncertain significance for Inborn genetic diseases. Last evaluated: 2023-12-20. Review status: criteria provided, single submitter. Criteria: Ambry Variant Classification Scheme 2023. Collection method: clinical testing. Allele origin: germline.

Labcorp Genetics (formerly Invitae), Labcorp
Classification: Uncertain significance for Joubert syndrome; Meckel-Gruber syndrome. Last evaluated: 2022-08-10. Review status: criteria provided, single submitter. Criteria: Invitae Variant Classification Sherloc (09022015). Collection method: clinical testing. Allele origin: germline.
Comment: This sequence change replaces aspartic acid, which is acidic and polar, with valine, which is neutral and non-polar, at codon 1038 of the CC2D2A protein (p.Asp1038Val). This variant is present in population databases (rs376913682, gnomAD 0.06%). This variant has not been reported in the literature in individuals affected with CC2D2A-related conditions. ClinVar contains an entry for this variant (Variation ID: 421907). Advanced modeling of protein sequence and biophysical properties (such as structural, functional, and spatial information, amino acid conservation, physicochemical variation, residue mobility, and thermodynamic stability) performed at Invitae indicates that this missense variant is expected to disrupt CC2D2A protein function. In summary, the available evidence is currently insufficient to determine the role of this variant in disease. Therefore, it has been classified as a Variant of Uncertain Significance.

Mayo Clinic Laboratories, Mayo Clinic
Classification: Uncertain significance. Last evaluated: 2022-07-26. Review status: criteria provided, single submitter. Criteria: ACMG Guidelines, 2015. Collection method: clinical testing. Allele origin: germline. Observed: 1 variant allele.
Comment: PM2

Eurofins Ntd Llc (ga)
Classification: Uncertain significance. Last evaluated: 2017-06-22. Review status: criteria provided, single submitter. Criteria: EGL Classification Definitions 2015. Collection method: clinical testing. Allele origin: germline. Observed: 1 variant allele, 1 heterozygote.

GeneDx
Classification: Uncertain significance. Last evaluated: 2016-08-10. Review status: criteria provided, single submitter. Criteria: GeneDx Variant Classification (06012015). Collection method: clinical testing. Allele origin: germline. Affected: yes.
Comment: The D1038V variant in the CC2D2A gene has not been reported previously as a pathogenic variant, nor as a benign variant, to our knowledge. The D1038V variant was not observed with any significant frequency in approximately 6,200 individuals of European and African American ancestry in the NHLBI Exome Sequencing Project, indicating it is not a common benign variant in these populations. The D1038V variant is a non-conservative amino acid substitution, which is likely to impact secondary protein structure as these residues differ in polarity, charge, size and/or other properties. This substitution occurs at a position that is conserved across species, and in silico analysis predicts this variant is probably damaging to the protein structure/function. We interpret D1038V as a variant of uncertain significance.

NM_001378615.1(CC2D2A):c.3113A>T (p.Asp1038Val)

Genes: FBXL5 (F-box and leucine rich repeat protein 5; minus strand), CC2D2A (coiled-coil and C2 domain containing 2A; plus strand). Cytogenetic location: 4p15.32.
Variant type: single nucleotide variant.
Coding change: c.3113A>T on transcript NM_001378615.1 (MANE Select); coding-DNA position 3113, A replaced by T.
Protein change: p.Asp1038Val; replaces aspartic acid 1038 with valine.
Molecular consequence: missense variant.
Genome position (GRCh38, 1-based): chr4:15,563,453, A>T. VCF-style: chr4-15563453-A-T. GRCh37 (hg19) VCF-style: chr4-15565076-A-T.
Other names: p.Asp1038Val; c.3113A>T, p.Asp1038Val (NM_001080522.2); c.2966A>T, p.Asp989Val (NM_001378617.1); short protein forms D1038V, D989V.
Identifiers: ClinVar variation 421907 (VCV000421907.14), dbSNP rs376913682, ClinGen allele CA2864077.
Genomic context (GRCh38, chr4:15,563,453, plus strand): 5'-AGCGACCACTGCGGCCAAGGAGAAAAGGTCGGAAGAAGGTGACAGCCCAAAACCTGTCTG[A>T]TGGAGACATAAAGCTGCTGGTGAACATTGTGCGAGCTTACGACATTCCAGTGAGGAAGCC-3'
Protein context (NP_001365544.1, residues 1028-1048): RKKVTAQNLS[Asp1038Val]GDIKLLVNIV